The following is an entry in ClinVar:

NM_020680.4(SCYL1):c.324G>A (p.Glu108=)

Gene: SCYL1 (SCY1 like pseudokinase 1; plus strand). Cytogenetic location: 11q13.1.
Variant type: single nucleotide variant.
Coding change: c.324G>A on transcript NM_020680.4 (MANE Select); coding-DNA position 324, G replaced by A.
Protein change: p.Glu108=; no amino-acid change (glutamic acid 108 retained).
Molecular consequence: synonymous variant.
Genome position (GRCh38, 1-based): chr11:65,525,992, G>A. VCF-style: chr11-65525992-G-A. GRCh37 (hg19) VCF-style: chr11-65293463-G-A.
Other names: p.Glu108=; c.324G>A, p.Glu108= (NM_001048218.2, NM_001411022.1).
Identifiers: ClinVar variation 2121003 (VCV002121003.6), dbSNP rs55662663, ClinGen allele CA6099463.

ClinVar aggregate classification (germline): Benign/Likely benign. Review status: criteria provided, multiple submitters, no conflicts (2 of 4 stars). 3 submissions from 3 submitters: Benign (2); Likely benign (1). Last evaluated 2026-02-01.

Allele frequency attached by ClinVar (database versions not stated): 1000 Genomes Project 0.00679; 1000 Genomes Project 30x 0.00859; gnomAD 0.01470; TOPMed 0.01476; ESP Exome Variant Server 0.01891.
gnomAD v4.1: 36,522 of 1,613,410 alleles (2.3%); highest among the groups gnomAD compares: Non-Finnish European, 2.8%; 556 homozygotes.

Submissions (3):

Labcorp Genetics (formerly Invitae), Labcorp
Classification: Benign. Last evaluated: 2026-02-01. Review status: criteria provided, single submitter. Criteria: Invitae Variant Classification Sherloc (09022015). Collection method: clinical testing. Allele origin: germline.

Blueprint Genetics
Classification: Likely benign. Last evaluated: 2024-11-26. Review status: criteria provided, single submitter. Criteria: ACMG Guidelines, 2015. Collection method: clinical testing. Allele origin: germline.

Mayo Clinic Laboratories, Mayo Clinic
Classification: Benign. Last evaluated: 2023-02-13. Review status: criteria provided, single submitter. Criteria: ACMG Guidelines, 2015. Collection method: clinical testing. Allele origin: germline. Observed: 21 variant alleles.
Comment: BS1, BS2, BP4, BP7